The following is an entry in ClinVar:

NM_001267550.2(TTN):c.46407_46410dup (p.Ala15471fs)

Genes: TTN-AS1 (TTN antisense RNA 1; plus strand), TTN (titin; minus strand). Cytogenetic location: 2q31.2.
Variant type: Duplication.
Coding change: c.46407_46410dup on transcript NM_001267550.2 (MANE Select); coding-DNA positions 46407 to 46410, 4 bases duplicated (TCGT; older notation c.46407_46410dupTCGT).
Protein change: p.Ala15471fs; shifts the reading frame from alanine 15471.
Molecular consequence: frameshift variant. On other transcripts: non-coding transcript variant (1).
Genome position (GRCh38, 1-based): chr2:178,620,007-178,620,010, ACGA duplicated on the plus strand (TCGT on the coding strand, the reverse complement: TTN is on the minus strand). VCF-style (leftmost placement, unchanged base first): chr2-178620006-C-CACGA. GRCh37 (hg19) VCF-style: chr2-179484733-C-CACGA.
Other names: c.41484_41487dup, p.Ala13830fs (NM_001256850.1); c.19212_19215dup, p.Ala6406fs (NM_003319.4); c.38703_38706dup, p.Ala12903fs (NM_133378.4); c.19587_19590dup, p.Ala6531fs (NM_133432.3); c.19788_19791dup, p.Ala6598fs (NM_133437.4); short protein forms A15471fs, A6598fs, A6531fs, A12903fs, A6406fs, A13830fs.
Identifiers: ClinVar variation 955838 (VCV000955838.10), dbSNP rs2058029089, ClinGen allele CA1139657471.

ClinVar aggregate classification (germline): Likely pathogenic (1 of 4 stars; one submission).

Conditions:
Dilated cardiomyopathy 1G (CMD1G). Identifiers: Orphanet 154, MedGen C1858763, MONDO:0011400, OMIM 604145.
Autosomal recessive limb-girdle muscular dystrophy type 2J (LGMDR10). Also called: Limb-girdle muscular dystrophy, type 2J; MUSCULAR DYSTROPHY, LIMB-GIRDLE, AUTOSOMAL RECESSIVE 10. Identifiers: Orphanet 140922, MedGen C1837342, MONDO:0012127, OMIM 608807.

Submission:

Labcorp Genetics (formerly Invitae), Labcorp
Classification: Likely pathogenic for Dilated cardiomyopathy 1G; Autosomal recessive limb-girdle muscular dystrophy type 2J. Last evaluated: 2024-10-18. Review status: criteria provided, single submitter. Criteria: Invitae Variant Classification Sherloc (09022015). Collection method: clinical testing. Allele origin: germline.
Comment: This sequence change creates a premature translational stop signal (p.Ala15471Serfs*3) in the TTN gene. While this is not anticipated to result in nonsense mediated decay, it is expected to create a truncated TTN protein. This variant is not present in population databases (gnomAD no frequency). This variant has not been observed in the literature in individuals with autosomal recessive TTN-related conditions. This variant has been reported in individual(s) with autosomal dominant dilated cardiomyopathy (internal data); however, the role of the variant in this condition is currently unclear. ClinVar contains an entry for this variant (Variation ID: 955838). Algorithms developed to predict the effect of sequence changes on RNA splicing suggest that this variant may disrupt the consensus splice site. This variant is located in the I band of TTN (PMID: 25589632). Truncating variants in this region have been reported in individuals affected with autosomal recessive centronuclear myopathy (PMID: 23975875, internal data). Truncating variants in this region have also been identified in individuals affected with autosomal dominant dilated cardiomyopathy and/or cardio-related conditions (PMID: 27869827, 32964742, internal data). In summary, the currently available evidence indicates that the variant is pathogenic, but additional data are needed to prove that conclusively. Therefore, this variant has been classified as Likely Pathogenic.

Literature cited by the submitters: PubMed 25589632; PubMed 23975875; PubMed 27869827; PubMed 32964742.